The following is an entry in ClinVar:

NM_001378120.1(MBD5):c.4556G>A (p.Arg1519Lys)

Gene: MBD5 (methyl-CpG binding domain protein 5; plus strand). Cytogenetic location: 2q23.1.
Variant type: single nucleotide variant.
Coding change: c.4556G>A on transcript NM_001378120.1 (MANE Select); coding-DNA position 4556, G replaced by A.
Protein change: p.Arg1519Lys; replaces arginine 1519 with lysine.
Molecular consequence: missense variant.
Genome position (GRCh38, 1-based): chr2:148,490,188, G>A. VCF-style: chr2-148490188-G-A. GRCh37 (hg19) VCF-style: chr2-149247757-G-A.
Other names: c.3857G>A, p.Arg1286Lys (NM_018328.5); short protein forms R1286K, R1519K.
Identifiers: ClinVar variation 373345 (VCV000373345.1), dbSNP rs1057518363, ClinGen allele CA16042338.

ClinVar aggregate classification (germline): Uncertain significance (1 of 4 stars; one submission).

Submission:

GeneDx
Classification: Uncertain significance. Last evaluated: 2016-11-30. Review status: criteria provided, single submitter. Criteria: GeneDx Variant Classification (06012015). Collection method: clinical testing. Allele origin: germline. Affected: yes.
Comment: The R1286K variant in the MBD5 gene has not been reported previously as a pathogenic variant, nor as a benign variant, to our knowledge. The R1286K variant was not observed in approximately 6500 individuals of European and African American ancestry in the NHLBI Exome Sequencing Project, indicating it is not a common benign variant in these populations. The R1286K variant is a conservative amino acid substitution, which is not likely to impact secondary protein structure as these residues share similar properties. This substitution occurs at a position that is conserved across species. In silico analysis is inconsistent in its predictions as to whether or not the variant is damaging to the protein structure/function. We interpret R1286K as a variant of uncertain significance.